The following is an entry in ClinVar:

ClinVar aggregate classification (germline): Uncertain significance. Review status: criteria provided, multiple submitters, no conflicts (2 of 4 stars). 7 submissions from 7 submitters: Uncertain significance (6). 1 of the submissions does not count toward it. Last evaluated 2025-10-27.

Conditions:
Miyoshi muscular dystrophy 1 (MMD1). Identifiers: Orphanet 45448, MedGen C4551973, MONDO:0024545, OMIM 254130.
Autosomal recessive limb-girdle muscular dystrophy type 2B (LGMDR2). Also called: MUSCULAR DYSTROPHY, LIMB-GIRDLE, TYPE 3; Limb-Girdle Muscular Dystrophy Type 2B (LGMD2B); Limb-girdle muscular dystrophy, type 2B; MUSCULAR DYSTROPHY, LIMB-GIRDLE, AUTOSOMAL RECESSIVE 2. Identifiers: Orphanet 268, MedGen C1850889, MONDO:0009676, OMIM 253601.
Distal myopathy with anterior tibial onset. Identifiers: Orphanet 178400, MedGen C1847532, MONDO:0011721, OMIM 606768.
Neuromuscular disease caused by qualitative or quantitative defects of dysferlin. Also called: Dysferlinopathy; Qualitative or quantitative defects of dysferlin. Identifiers: Orphanet 207073, MedGen C2931687, MONDO:0016145.
Peripheral neuropathy. Also called: Neuropathy. Identifiers: MedGen C0031117, MONDO:0005244, HP:0009830.

Allele frequency attached by ClinVar (database versions not stated): gnomAD exomes 0.00003; ExAC 0.00005; gnomAD 0.00017 and 0.00021; 1000 Genomes Project 0.00020; TOPMed 0.00023; ESP Exome Variant Server 0.00038; 1000 Genomes Project 30x 0.00047.
gnomAD v4.1: 48 of 1,614,124 alleles (0.003%); highest among the groups gnomAD compares: African/African-American, 0.056%; 1 homozygote.

Submissions (7):

GeneDx
Classification: Uncertain significance. Last evaluated: 2025-10-27. Review status: criteria provided, single submitter. Criteria: GeneDx Variant Classification Process June 2021. Collection method: clinical testing. Allele origin: germline. Affected: yes.
Comment: In silico analysis supports that this missense variant has a deleterious effect on protein structure/function; Has not been previously published as pathogenic or benign to our knowledge; This variant is associated with the following publications: (PMID: 24438169)

Labcorp Genetics (formerly Invitae), Labcorp
Classification: Uncertain significance for Neuromuscular disease caused by qualitative or quantitative defects of dysferlin. Last evaluated: 2022-07-26. Review status: criteria provided, single submitter. Criteria: Invitae Variant Classification Sherloc (09022015). Collection method: clinical testing. Allele origin: germline.
Comment: This sequence change replaces methionine, which is neutral and non-polar, with isoleucine, which is neutral and non-polar, at codon 451 of the DYSF protein (p.Met451Ile). This variant also falls at the last nucleotide of exon 14, which is part of the consensus splice site for this exon. This variant is present in population databases (rs146064054, gnomAD 0.05%). This variant has not been reported in the literature in individuals affected with DYSF-related conditions. ClinVar contains an entry for this variant (Variation ID: 288879). Algorithms developed to predict the effect of missense changes on protein structure and function (SIFT, PolyPhen-2, Align-GVGD) all suggest that this variant is likely to be tolerated. Variants that disrupt the consensus splice site are a relatively common cause of aberrant splicing (PMID: 17576681, 9536098). Algorithms developed to predict the effect of sequence changes on RNA splicing suggest that this variant may disrupt the consensus splice site. In summary, the available evidence is currently insufficient to determine the role of this variant in disease. Therefore, it has been classified as a Variant of Uncertain Significance.

Fulgent Genetics
Classification: Uncertain significance for Autosomal recessive limb-girdle muscular dystrophy type 2B; Miyoshi muscular dystrophy 1; Distal myopathy with anterior tibial onset. Last evaluated: 2021-12-23. Review status: criteria provided, single submitter. Criteria: ACMG Guidelines, 2015. Collection method: clinical testing. Allele origin: unknown.

Revvity Omics, Revvity
Classification: Uncertain significance. Last evaluated: 2020-02-21. Review status: criteria provided, single submitter. Criteria: ACMG Guidelines, 2015. Collection method: clinical testing. Allele origin: germline.

Eurofins Ntd Llc (ga)
Classification: Uncertain significance. Last evaluated: 2018-08-30. Review status: criteria provided, single submitter. Criteria: EGL ClinVar v180209 classification definitions. Collection method: clinical testing. Allele origin: germline. Observed: 3 variant alleles, 3 heterozygotes.

Claritas Genomics
Classification: Uncertain significance for Peripheral neuropathy. Last evaluated: 2016-08-22. Review status: criteria provided, single submitter. Criteria: ACMG Guidelines, 2015. Collection method: clinical testing. Allele origin: germline. Affected: yes.

Natera, Inc.
Classification: Uncertain significance for Limb-girdle muscular dystrophy type 2B. Last evaluated: 2020-04-23. Review status: no assertion criteria provided. Collection method: clinical testing. Allele origin: germline. Not counted in ClinVar's aggregate classification.

Literature cited by the submitters: PubMed 17576681 (cited by Labcorp Genetics (formerly Invitae), Labcorp); PubMed 9536098 (cited by Labcorp Genetics (formerly Invitae), Labcorp).

NM_001130987.2(DYSF):c.1449G>A (p.Met483Ile)

Gene: DYSF (dysferlin; plus strand). Cytogenetic location: 2p13.2.
Variant type: single nucleotide variant.
Coding change: c.1449G>A on transcript NM_001130987.2 (MANE Select); coding-DNA position 1449, G replaced by A.
Protein change: p.Met483Ile; replaces methionine 483 with isoleucine.
Molecular consequence: missense variant.
Genome position (GRCh38, 1-based): chr2:71,535,089, G>A. VCF-style: chr2-71535089-G-A. GRCh37 (hg19) VCF-style: chr2-71762219-G-A.
Other names: c.1356G>A, p.Met452Ile (NM_001130455.2, NM_001130983.2, NM_001130984.2 and 1 more transcripts); c.1353G>A, p.Met451Ile (NM_001130976.2, NM_001130977.2, NM_001130978.2 and 1 more transcripts); c.1446G>A, p.Met482Ile (NM_001130979.2, NM_001130980.2, NM_001130981.2); c.1449G>A, p.Met483Ile (NM_001130982.2, NM_001130985.2); short protein forms M451I, M483I, M452I, M482I.
Identifiers: ClinVar variation 288879 (VCV000288879.15), dbSNP rs146064054, ClinGen allele CA1705739.